The following is an entry in ClinVar:

ClinVar aggregate classification (germline): Uncertain significance (1 of 4 stars; one submission).

Submission:

CeGaT Center for Human Genetics Tuebingen
Classification: Uncertain significance. Last evaluated: 2022-03-01. Review status: criteria provided, single submitter. Criteria: CeGaT Center For Human Genetics Tuebingen Variant Classification Criteria Version 2. Collection method: clinical testing. Allele origin: germline. Affected: yes. Observed: 1 variant allele.
Comment: DYNC1H1: PM2

NM_001376.5(DYNC1H1):c.13524C>G (p.His4508Gln)

Gene: DYNC1H1 (dynein cytoplasmic 1 heavy chain 1; plus strand). Cytogenetic location: 14q32.31.
Variant type: single nucleotide variant.
Coding change: c.13524C>G on transcript NM_001376.5 (MANE Select); coding-DNA position 13524, C replaced by G.
Protein change: p.His4508Gln; replaces histidine 4508 with glutamine.
Molecular consequence: missense variant.
Genome position (GRCh38, 1-based): chr14:102,049,722, C>G. VCF-style: chr14-102049722-C-G. GRCh37 (hg19) VCF-style: chr14-102516059-C-G.
Other names: short protein forms H4508Q.
Identifiers: ClinVar variation 2644575 (VCV002644575.24), dbSNP rs565247634, ClinGen allele CA391049947.